The following is an entry in ClinVar:

ClinVar aggregate classification (germline): Uncertain significance. Review status: criteria provided, multiple submitters, no conflicts (2 of 4 stars). 4 submissions from 4 submitters: Uncertain significance (4). Last evaluated 2024-06-26.

Allele frequency attached by ClinVar (database versions not stated): gnomAD 0.00003 and 0.00002; 1000 Genomes Project 30x 0.00031; 1000 Genomes Project 0.00040; TOPMed 0.00008; gnomAD exomes 0.00027 and 0.00012; ExAC 0.00018.
gnomAD v4.1: 79 of 1,613,984 alleles (0.0049%); highest among the groups gnomAD compares: Admixed American, 0.13%; no homozygotes.

Submissions (4):

Revvity Omics, Revvity
Classification: Uncertain significance. Last evaluated: 2024-06-26. Review status: criteria provided, single submitter. Criteria: ACMG Guidelines, 2015. Collection method: clinical testing. Allele origin: germline.

Mayo Clinic Laboratories, Mayo Clinic
Classification: Uncertain significance. Last evaluated: 2023-10-03. Review status: criteria provided, single submitter. Criteria: ACMG Guidelines, 2015. Collection method: clinical testing. Allele origin: germline. Observed: 3 variant alleles.
Comment: BS1

Blueprint Genetics
Classification: Uncertain significance. Last evaluated: 2020-12-02. Review status: criteria provided, single submitter. Criteria: ACMG Guidelines, 2015. Collection method: clinical testing. Allele origin: germline.

ARUP Laboratories, Molecular Genetics and Genomics, ARUP Laboratories
Classification: Uncertain significance. Last evaluated: 2019-09-20. Review status: criteria provided, single submitter. Criteria: ARUP Molecular Germline Variant Investigation Process. Collection method: clinical testing. Allele origin: germline.

NM_003126.4(SPTA1):c.3019C>T (p.Leu1007Phe)

Gene: SPTA1 (spectrin alpha, erythrocytic 1; minus strand). Cytogenetic location: 1q23.1.
Variant type: single nucleotide variant.
Coding change: c.3019C>T on transcript NM_003126.4 (MANE Select); coding-DNA position 3019, C replaced by T.
Protein change: p.Leu1007Phe; replaces leucine 1007 with phenylalanine.
Molecular consequence: missense variant.
Genome position (GRCh38, 1-based): chr1:158,654,628, G>A on the plus strand (C>T on the coding strand, the complement: SPTA1 is on the minus strand). VCF-style: chr1-158654628-G-A. GRCh37 (hg19) VCF-style: chr1-158624418-G-A.
Other names: p.Leu1007Phe; short protein forms L1007F.
Identifiers: ClinVar variation 994385 (VCV000994385.12), dbSNP rs201324641, ClinGen allele CA1183211.